The following is an entry in ClinVar:

NM_004973.4(JARID2):c.45+3A>G

Gene: JARID2 (jumonji and AT-rich interaction domain containing 2; plus strand). Cytogenetic location: 6p22.3.
Variant type: single nucleotide variant.
Coding change: c.45+3A>G on transcript NM_004973.4 (MANE Select); 3 bases into the intron after coding-DNA position 45, A replaced by G.
Molecular consequence: intron variant.
Genome position (GRCh38, 1-based): chr6:15,246,587, A>G. VCF-style: chr6-15246587-A-G. GRCh37 (hg19) VCF-style: chr6-15246818-A-G.
Identifiers: ClinVar variation 4978092 (VCV004978092.1).

ClinVar aggregate classification (germline): Likely benign (1 of 4 stars; one submission).

Conditions:
JARID2-related disorder. Also called: JARID2-related condition.

Submission:

PreventionGenetics, part of Exact Sciences
Classification: Likely benign for JARID2-related condition. Last evaluated: 2025-03-12. Review status: criteria provided, single submitter. Criteria: ACMG Guidelines, 2015. Collection method: clinical testing. Allele origin: germline.
Comment: This variant is classified as likely benign based on ACMG/AMP sequence variant interpretation guidelines (Richards et al. 2015 PMID: 25741868, with internal and published modifications).